The following is an entry in ClinVar:

ClinVar aggregate classification (germline): Uncertain significance (1 of 4 stars; one submission).

Conditions:
Inborn genetic diseases. Identifiers: MedGen C0950123, MeSH D030342.

Submission:

Ambry Genetics
Classification: Uncertain significance for Inborn genetic diseases. Last evaluated: 2021-11-24. Review status: criteria provided, single submitter. Criteria: Ambry Variant Classification Scheme 2023. Collection method: clinical testing. Allele origin: germline.
Comment: The p.S20A variant (also known as c.58T>G), located in coding exon 2 of the CHCHD10 gene, results from a T to G substitution at nucleotide position 58. The serine at codon 20 is replaced by alanine, an amino acid with similar properties. This amino acid position is conserved. In addition, this alteration is predicted to be tolerated by in silico analysis. Since supporting evidence is limited at this time, the clinical significance of this alteration remains unclear.

NM_213720.3(CHCHD10):c.58T>G (p.Ser20Ala)

Gene: CHCHD10 (coiled-coil-helix-coiled-coil-helix domain containing 10; minus strand). Cytogenetic location: 22q11.23.
Variant type: single nucleotide variant.
Coding change: c.58T>G on transcript NM_213720.3 (MANE Select); coding-DNA position 58, T replaced by G.
Protein change: p.Ser20Ala; replaces serine 20 with alanine.
Molecular consequence: missense variant.
Genome position (GRCh38, 1-based): chr22:23,767,577, A>C on the plus strand (T>G on the coding strand, the complement: CHCHD10 is on the minus strand). VCF-style: chr22-23767577-A-C. GRCh37 (hg19) VCF-style: chr22-24109764-A-C.
Other names: c.58T>G, p.Ser20Ala (NM_001301339.2); short protein forms S20A.
Identifiers: ClinVar variation 1750404 (VCV001750404.2), dbSNP rs2517623147, ClinGen allele CA410916979.
Genomic context (GRCh38, chr22:23,767,577, plus strand): 5'-CCGAAGGGGCGGGGGCTGGGGCGGCTGCCGAGGGCGGTGGGTGCGCGGGCGGGTGGGCAG[A>C]GGGCGCGGCTGGGCGGCTGCGGGGGTGGGAGGAAGCAGGGTTAATCCTGGCCAGACCCCA-3'
Protein context (NP_998885.1, residues 10-30): SRPASRPAAP[Ser20Ala]AHPPAHPPPS